The following is an entry in ClinVar:

ClinVar aggregate classification (germline): Uncertain significance (1 of 4 stars; one submission).

Conditions:
Combined oxidative phosphorylation defect type 17. Also called: Combined oxidative phosphorylation deficiency 17. Identifiers: Orphanet 369913, MedGen C3809526, MONDO:0014190, OMIM 615440.

Allele frequency attached by ClinVar (database versions not stated): gnomAD 0.00001; TOPMed 0.00001.
gnomAD v4.1: 1 of 1,612,572 alleles (0.000062%); highest among the groups gnomAD compares: African/African-American, 0.0013%; no homozygotes.

Submission:

Labcorp Genetics (formerly Invitae), Labcorp
Classification: Uncertain significance for Combined oxidative phosphorylation defect type 17. Last evaluated: 2021-07-07. Review status: criteria provided, single submitter. Criteria: Invitae Variant Classification Sherloc (09022015). Collection method: clinical testing. Allele origin: germline.
Comment: This sequence change replaces leucine with phenylalanine at codon 576 of the ELAC2 protein (p.Leu576Phe). The leucine residue is moderately conserved and there is a small physicochemical difference between leucine and phenylalanine. This variant is not present in population databases (ExAC no frequency). This variant has not been reported in the literature in individuals affected with ELAC2-related conditions. Algorithms developed to predict the effect of missense changes on protein structure and function are either unavailable or do not agree on the potential impact of this missense change (SIFT: "Deleterious"; PolyPhen-2: "Probably Damaging"; Align-GVGD: "Class C0"). In summary, the available evidence is currently insufficient to determine the role of this variant in disease. Therefore, it has been classified as a Variant of Uncertain Significance.

NM_018127.7(ELAC2):c.1728G>C (p.Leu576Phe)

Gene: ELAC2 (elaC ribonuclease Z 2; minus strand). Cytogenetic location: 17p12.
Variant type: single nucleotide variant.
Coding change: c.1728G>C on transcript NM_018127.7 (MANE Select); coding-DNA position 1728, G replaced by C.
Protein change: p.Leu576Phe; replaces leucine 576 with phenylalanine.
Molecular consequence: missense variant.
Genome position (GRCh38, 1-based): chr17:12,995,783, C>G on the plus strand (G>C on the coding strand, the complement: ELAC2 is on the minus strand). VCF-style: chr17-12995783-C-G. GRCh37 (hg19) VCF-style: chr17-12899100-C-G.
Other names: c.1608G>C, p.Leu536Phe (NM_001165962.2); c.1725G>C, p.Leu575Phe (NM_173717.2); short protein forms L575F, L576F, L536F.
Identifiers: ClinVar variation 1365702 (VCV001365702.8), dbSNP rs2040437747, ClinGen allele CA398223660.